The following is an entry in ClinVar:

ClinVar aggregate classification (germline): Uncertain significance (1 of 4 stars; one submission).

Conditions:
Deficiency of phosphoserine phosphatase (PSPHD). Also called: Phosphoserine phosphatase deficiency; PSPH deficiency. Identifiers: Orphanet 79350, MedGen C1291463, MONDO:0013531, OMIM 614023.

Allele frequency attached by ClinVar (database versions not stated): gnomAD 0.00005 and 0.00008; ESP Exome Variant Server 0.00008; TOPMed 0.00008; gnomAD exomes 0.00010 and 0.00016; ExAC 0.00018.
gnomAD v4.1: 165 of 1,613,808 alleles (0.01%); highest among the groups gnomAD compares: Admixed American, 0.022%; no homozygotes.

Submission:

Labcorp Genetics (formerly Invitae), Labcorp
Classification: Uncertain significance for Deficiency of phosphoserine phosphatase. Last evaluated: 2022-10-17. Review status: criteria provided, single submitter. Criteria: Invitae Variant Classification Sherloc (09022015). Collection method: clinical testing. Allele origin: germline.
Comment: This sequence change affects codon 140 of the PSPH mRNA. It is a 'silent' change, meaning that it does not change the encoded amino acid sequence of the PSPH protein. It affects a nucleotide within the consensus splice site. This variant is present in population databases (rs146276460, gnomAD 0.03%). This variant has not been reported in the literature in individuals affected with PSPH-related conditions. ClinVar contains an entry for this variant (Variation ID: 1365040). Algorithms developed to predict the effect of sequence changes on RNA splicing suggest that this variant is not likely to affect RNA splicing. In summary, the available evidence is currently insufficient to determine the role of this variant in disease. Therefore, it has been classified as a Variant of Uncertain Significance.

NM_004577.4(PSPH):c.420C>T (p.Asn140=)

Gene: PSPH (phosphoserine phosphatase; minus strand). Cytogenetic location: 7p11.2.
Variant type: single nucleotide variant.
Coding change: c.420C>T on transcript NM_004577.4 (MANE Select); coding-DNA position 420, C replaced by T.
Protein change: p.Asn140=; no amino-acid change (asparagine 140 retained).
Molecular consequence: synonymous variant.
Genome position (GRCh38, 1-based): chr7:56,017,235, G>A on the plus strand (C>T on the coding strand, the complement: PSPH is on the minus strand). VCF-style: chr7-56017235-G-A. GRCh37 (hg19) VCF-style: chr7-56084928-G-A.
Other names: c.420C>T, p.Asn140= (NM_001370503.1, NM_001370504.1, NM_001370505.1 and 17 more transcripts).
Identifiers: ClinVar variation 1365040 (VCV001365040.3), dbSNP rs146276460, ClinGen allele CA4268646.
Genomic context (GRCh38, chr7:56,017,235, plus strand): 5'-CCAGAATACTGAACAATGGAACTGCTAAGAAAGGGAACATGTTACTGTTAACATCTTACC[G>A]TTAAAGTAGAATTTCAGCCTATTGGCAAATACATTGGTTGCTGGGATATTGAGCTTTGAA-3'
Protein context (NP_004568.2, residues 130-150): VFANRLKFYF[Asn140=]GEYAGFDETQ